The following is an entry in ClinVar:

ClinVar aggregate classification (germline): Uncertain significance (1 of 4 stars; one submission).

gnomAD v4.1: 1 of 1,205,300 alleles (0.000083%); highest among the groups gnomAD compares: Non-Finnish European, 0.00011%; no homozygotes.

Submission:

GeneDx
Classification: Uncertain significance. Last evaluated: 2023-03-20. Review status: criteria provided, single submitter. Criteria: GeneDx Variant Classification Process June 2021. Collection method: clinical testing. Allele origin: germline. Affected: yes.
Comment: Not observed at significant frequency in large population cohorts (gnomAD); In silico analysis supports that this missense variant has a deleterious effect on protein structure/function; Has not been previously published as pathogenic or benign to our knowledge

NM_004606.5(TAF1):c.2693G>T (p.Arg898Leu)

Gene: TAF1 (TATA-box binding protein associated factor 1; plus strand). Cytogenetic location: Xq13.1.
Variant type: single nucleotide variant.
Coding change: c.2693G>T on transcript NM_004606.5 (MANE Select); coding-DNA position 2693, G replaced by T.
Protein change: p.Arg898Leu; replaces arginine 898 with leucine.
Molecular consequence: missense variant. On other transcripts: non-coding transcript variant (9).
Genome position (GRCh38, 1-based): chrX:71,388,861, G>T. VCF-style: chrX-71388861-G-T. GRCh37 (hg19) VCF-style: chrX-70608711-G-T.
Other names: c.2693G>T, p.Arg898Leu (NM_001286074.2); c.2630G>T, p.Arg877Leu (NM_138923.4); short protein forms R877L, R898L.
Identifiers: ClinVar variation 2580509 (VCV002580509.1), dbSNP rs2520304185, ClinGen allele CA413521852.